The following is an entry in ClinVar:

ClinVar aggregate classification (germline): Uncertain significance. Review status: criteria provided, multiple submitters, no conflicts (2 of 4 stars). 2 submissions from 2 submitters: Uncertain significance (2). Last evaluated 2025-03-30.

Conditions:
Inborn genetic diseases. Identifiers: MedGen C0950123, MeSH D030342.
Pterin-4 alpha-carbinolamine dehydratase 1 deficiency. Also called: HYPERPHENYLALANINEMIA WITH PRIMAPTERINURIA; HYPERPHENYLALANINEMIA, TETRAHYDROBIOPTERIN-DEFICIENT, DUE TO PTERIN-4-ALPHA-CARBINOLAMINE DEHYDRATASE DEFICIENCY; CADH DEFICIENCY; Hyperphenylalaninemia due to dehydratase deficiency. Identifiers: Orphanet 1578, Orphanet 238583, MedGen C1849700, MONDO:0009908, OMIM 264070.

Allele frequency attached by ClinVar (database versions not stated): gnomAD exomes 0.00001; ExAC 0.00002; TOPMed 0.00005; gnomAD 0.00011; 1000 Genomes Project 30x 0.00016; 1000 Genomes Project 0.00020.
gnomAD v4.1: 23 of 1,614,078 alleles (0.0014%); highest among the groups gnomAD compares: African/African-American, 0.031%; no homozygotes.

Submissions (2):

Ambry Genetics
Classification: Uncertain significance for Inborn genetic diseases. Last evaluated: 2025-03-30. Review status: criteria provided, single submitter. Criteria: Ambry Variant Classification Scheme 2023. Collection method: clinical testing. Allele origin: germline.

Labcorp Genetics (formerly Invitae), Labcorp
Classification: Uncertain significance for Pterin-4 alpha-carbinolamine dehydratase 1 deficiency. Last evaluated: 2022-08-18. Review status: criteria provided, single submitter. Criteria: Invitae Variant Classification Sherloc (09022015). Collection method: clinical testing. Allele origin: germline.
Comment: This sequence change replaces glutamine, which is neutral and polar, with histidine, which is basic and polar, at codon 15 of the PCBD1 protein (p.Gln15His). This variant is present in population databases (rs535425650, gnomAD 0.03%). This variant has not been reported in the literature in individuals affected with PCBD1-related conditions. Algorithms developed to predict the effect of missense changes on protein structure and function (SIFT, PolyPhen-2, Align-GVGD) all suggest that this variant is likely to be tolerated. In summary, the available evidence is currently insufficient to determine the role of this variant in disease. Therefore, it has been classified as a Variant of Uncertain Significance.

NM_000281.4(PCBD1):c.45G>C (p.Gln15His)

Gene: PCBD1 (pterin-4 alpha-carbinolamine dehydratase 1; minus strand). Cytogenetic location: 10q22.1.
Variant type: single nucleotide variant.
Coding change: c.45G>C on transcript NM_000281.4 (MANE Select); coding-DNA position 45, G replaced by C.
Protein change: p.Gln15His; replaces glutamine 15 with histidine.
Molecular consequence: missense variant. On other transcripts: 5 prime UTR variant (1).
Genome position (GRCh38, 1-based): chr10:70,885,888, C>G on the plus strand (G>C on the coding strand, the complement: PCBD1 is on the minus strand). VCF-style: chr10-70885888-C-G. GRCh37 (hg19) VCF-style: chr10-72645645-C-G.
Other names: c.-103G>C (NM_001289797.2); c.45G>C, p.Gln15His (NM_001323004.2); c.45G>C (NM_000281.2); short protein forms Q15H.
Identifiers: ClinVar variation 2160145 (VCV002160145.2), dbSNP rs535425650, ClinGen allele CA5541638.